The following is an entry in ClinVar:

NM_001035.3(RYR2):c.8024C>G (p.Ala2675Gly)

Gene: RYR2 (ryanodine receptor 2; plus strand). Cytogenetic location: 1q43.
Variant type: single nucleotide variant.
Coding change: c.8024C>G on transcript NM_001035.3 (MANE Select); coding-DNA position 8024, C replaced by G.
Protein change: p.Ala2675Gly; replaces alanine 2675 with glycine.
Molecular consequence: missense variant.
Genome position (GRCh38, 1-based): chr1:237,655,879, C>G. VCF-style: chr1-237655879-C-G. GRCh37 (hg19) VCF-style: chr1-237819179-C-G.
Other names: short protein forms A2675G.
Identifiers: ClinVar variation 4711442 (VCV004711442.1).

ClinVar aggregate classification (germline): Uncertain significance (1 of 4 stars; one submission).

Conditions:
Catecholaminergic polymorphic ventricular tachycardia 1. Also called: RYR2-Related Catecholaminergic Polymorphic Ventricular Tachycardia; VENTRICULAR TACHYCARDIA, CATECHOLAMINERGIC POLYMORPHIC, 1, WITH OR WITHOUT ATRIAL DYSFUNCTION AND/OR DILATED CARDIOMYOPATHY; VENTRICULAR TACHYCARDIA, STRESS-INDUCED POLYMORPHIC 1. Identifiers: Orphanet 3286, MedGen C1631597, MONDO:0011484, OMIM 604772.

gnomAD v4.1: 14 of 1,609,704 alleles (0.00087%); highest among the groups gnomAD compares: Middle Eastern, 0.016%; no homozygotes.

Submission:

Labcorp Genetics (formerly Invitae), Labcorp
Classification: Uncertain significance for Catecholaminergic polymorphic ventricular tachycardia 1. Last evaluated: 2025-04-11. Review status: criteria provided, single submitter. Criteria: Invitae Variant Classification Sherloc (09022015). Collection method: clinical testing. Allele origin: germline.
Comment: This sequence change replaces alanine, which is neutral and non-polar, with glycine, which is neutral and non-polar, at codon 2675 of the RYR2 protein (p.Ala2675Gly). This variant is present in population databases (rs373767708, gnomAD 0.0009%). This variant has not been reported in the literature in individuals affected with RYR2-related conditions. Invitae Evidence Modeling of protein sequence and biophysical properties (such as structural, functional, and spatial information, amino acid conservation, physicochemical variation, residue mobility, and thermodynamic stability) indicates that this missense variant is expected to disrupt RYR2 protein function with a positive predictive value of 95%. In summary, the available evidence is currently insufficient to determine the role of this variant in disease. Therefore, it has been classified as a Variant of Uncertain Significance.